The following is an entry in ClinVar:

ClinVar aggregate classification (germline): Pathogenic. Review status: no assertion criteria provided (0 of 4 stars). 3 submissions from 2 submitters: Pathogenic (2). 1 of the submissions does not count toward it. Last evaluated 2011-09-15.

Conditions:
Kartagener syndrome (CILD1). Also called: IMMOTILE CILIA SYNDROME; SIEWERT SYNDROME; CILIARY DYSKINESIA, PRIMARY, 1, WITH OR WITHOUT SITUS INVERSUS; POLYNESIAN BRONCHIECTASIS; Dextrocardia bronchiectasis and sinusitis; CILIARY DYSKINESIA, PRIMARY, 1. Identifiers: Orphanet 244, MedGen C4551906, MONDO:0009484, OMIM 244400.
Primary ciliary dyskinesia 13. Also called: CILIARY DYSKINESIA, PRIMARY, 13, WITH OR WITHOUT SITUS INVERSUS. Identifiers: Orphanet 244, MedGen C2750790, MONDO:0013174, OMIM 613193.

Submissions (3):

GeneReviews
Classification: Pathogenic for Primary Ciliary Dyskinesia. Last evaluated: 2011-09-15. Review status: no assertion criteria provided. Collection method: curation. Allele origin: unknown.
ClinVar note: Converted during submission from pathologic to Pathogenic.

OMIM
Classification: Pathogenic for CILIARY DYSKINESIA, PRIMARY, 13. Last evaluated: 2009-12-01. Review status: no assertion criteria provided. Collection method: literature only. Allele origin: germline.

GeneReviews
No classification provided. Condition: Kartagener syndrome. Review status: no classification provided. Collection method: literature only. Allele origin: germline. Affected: yes. Not counted in ClinVar's aggregate classification.

Literature cited by the submitters: PubMed 19944405 (cited by OMIM and GeneReviews); NCBI Bookshelf NBK1122 (cited by GeneReviews).

NM_178452.6(DNAAF1):c.524T>G (p.Leu175Arg)

Gene: DNAAF1 (dynein axonemal assembly factor 1; plus strand). Cytogenetic location: 16q24.1.
Variant type: single nucleotide variant.
Coding change: c.524T>G on transcript NM_178452.6 (MANE Select); coding-DNA position 524, T replaced by G.
Protein change: p.Leu175Arg; replaces leucine 175 with arginine.
Molecular consequence: missense variant.
Genome position (GRCh38, 1-based): chr16:84,154,748, T>G. VCF-style: chr16-84154748-T-G. GRCh37 (hg19) VCF-style: chr16-84188353-T-G.
Other names: short protein forms L175R.
Identifiers: ClinVar variation 267 (VCV000000267.5), dbSNP rs267607227, ClinGen allele CA339809.